The following is an entry in ClinVar:

NC_000003.12:g.67360661T>C

Gene: SUCLG2 (succinate-CoA ligase GDP-forming subunit beta; minus strand). Cytogenetic location: 3p14.1.
Variant type: single nucleotide variant.
Molecular consequence: missense variant (on NM_001177599.2).
Genome position: GRCh38 VCF-style: chr3-67360661-T-C. GRCh37 (hg19) VCF-style: chr3-67411085-T-C.
Other names: c.1291A>G, p.Ser431Gly (NM_001177599.2); short protein forms S431G.
Identifiers: ClinVar variation 3712107 (VCV003712107.2).

ClinVar aggregate classification (germline): Uncertain significance (1 of 4 stars; one submission).

gnomAD v4.1: 24 of 1,517,500 alleles (0.0016%); highest among the groups gnomAD compares: Non-Finnish European, 0.002%; no homozygotes.

Submission:

Labcorp Genetics (formerly Invitae), Labcorp
Classification: Uncertain significance. Last evaluated: 2024-11-18. Review status: criteria provided, single submitter. Criteria: Invitae Variant Classification Sherloc (09022015). Collection method: clinical testing. Allele origin: germline.
Comment: This sequence change replaces serine, which is neutral and polar, with glycine, which is neutral and non-polar, at codon 431 of the SUCLG2 protein (p.Ser431Gly). This variant is not present in population databases (gnomAD no frequency). This variant has not been reported in the literature in individuals affected with SUCLG2-related conditions. An algorithm developed to predict the effect of missense changes on protein structure and function (PolyPhen-2) suggests that this variant is likely to be tolerated. In summary, the available evidence is currently insufficient to determine the role of this variant in disease. Therefore, it has been classified as a Variant of Uncertain Significance.